The following is an entry in ClinVar:

NM_004539.4(NARS1):c.1612T>C (p.Leu538=)

Gene: NARS1 (asparaginyl-tRNA synthetase 1; minus strand). Cytogenetic location: 18q21.31.
Variant type: single nucleotide variant.
Coding change: c.1612T>C on transcript NM_004539.4 (MANE Select); coding-DNA position 1612, T replaced by C.
Protein change: p.Leu538=; no amino-acid change (leucine 538 retained).
Molecular consequence: synonymous variant.
Genome position (GRCh38, 1-based): chr18:57,601,687, A>G on the plus strand (T>C on the coding strand, the complement: NARS1 is on the minus strand). VCF-style: chr18-57601687-A-G. GRCh37 (hg19) VCF-style: chr18-55268919-A-G.
Identifiers: ClinVar variation 3770964 (VCV003770964.13).

ClinVar aggregate classification (germline): Likely benign (1 of 4 stars; one submission).

gnomAD v4.1: 533 of 1,614,092 alleles (0.033%); highest among the groups gnomAD compares: Middle Eastern, 0.53%; 1 homozygote.

Submission:

CeGaT Center for Human Genetics Tuebingen
Classification: Likely benign. Last evaluated: 2026-07-01. Review status: criteria provided, single submitter. Criteria: CeGaT Center For Human Genetics Tuebingen Variant Classification Criteria Version 2. Collection method: clinical testing. Allele origin: germline. Affected: yes. Observed: 3 variant alleles.
Comment: NARS1: BP4, BP7